The following is an entry in ClinVar:

NM_001243133.2(NLRP3):c.2186G>A (p.Arg729Gln)

Gene: NLRP3 (NLR family pyrin domain containing 3; plus strand). Cytogenetic location: 1q44.
Variant type: single nucleotide variant.
Coding change: c.2186G>A on transcript NM_001243133.2 (MANE Select); coding-DNA position 2186, G replaced by A.
Protein change: p.Arg729Gln; replaces arginine 729 with glutamine.
Molecular consequence: missense variant. On other transcripts: intron variant (2).
Genome position (GRCh38, 1-based): chr1:247,429,620, G>A. VCF-style: chr1-247429620-G-A. GRCh37 (hg19) VCF-style: chr1-247592922-G-A.
Other names: c.2186G>A, p.Arg729Gln (NM_001079821.3, NM_001127461.3); c.2192G>A, p.Arg731Gln (NM_004895.5); c.2150+4021G>A (NM_001127462.3, NM_183395.3); short protein forms R731Q, R729Q.
Identifiers: ClinVar variation 4988202 (VCV004988202.1).

ClinVar aggregate classification (germline): Uncertain significance (1 of 4 stars; one submission).

Conditions:
NLRP3-related disorder. Also called: NLRP3-related condition; NLRP3-Related Disorders.

gnomAD v4.1: 8 of 1,613,982 alleles (0.0005%); highest among the groups gnomAD compares: Admixed American, 0.0017%; no homozygotes.

Submission:

PreventionGenetics, part of Exact Sciences
Classification: Uncertain significance for NLRP3-related condition. Last evaluated: 2026-01-14. Review status: criteria provided, single submitter. Criteria: ACMG Guidelines, 2015. Collection method: clinical testing. Allele origin: germline.
Comment: The NLRP3 c.2192G>A variant is predicted to result in the amino acid substitution p.Arg731Gln. To our knowledge, this variant has not been reported in the literature. This variant is reported in 0.00088% of alleles in individuals of European (Non-Finnish) descent in gnomAD. At this time, the clinical significance of this variant is uncertain due to the absence of conclusive functional and genetic evidence.